The following is an entry in ClinVar:

NC_000003.11:g.(?_69158226)_(69171557_?)del

Gene: LMOD3 (leiomodin 3; minus strand). Cytogenetic location: 3p14.1.
Variant type: Deletion.
Identifiers: ClinVar variation 475292 (VCV000475292.5).

ClinVar aggregate classification (germline): Pathogenic (1 of 4 stars; one submission).

Conditions:
Nemaline myopathy 10 (NEM10). Identifiers: MedGen C4015360, MONDO:0014513, OMIM 616165.

Submission:

Labcorp Genetics (formerly Invitae), Labcorp
Classification: Pathogenic for Nemaline myopathy 10. Last evaluated: 2017-07-16. Review status: criteria provided, single submitter. Criteria: Invitae Variant Classification Sherloc (09022015). Collection method: clinical testing. Allele origin: germline.
Comment: This variant has not been reported in the literature in individuals with LMOD3-related disease. For these reasons, this variant has been classified as Pathogenic. Loss-of-function variants in LMOD3 are known to be pathogenic (PMID: 25250574). A gross deletion of the genomic region encompassing the full coding sequence of the LMOD3 gene has been identified. The boundaries of this event are unknown as the deletion extends beyond the assayed region for this gene and therefore may encompass additional genes.

Literature cited by the submitters: PubMed 25250574.